The following is an entry in ClinVar:

ClinVar aggregate classification (germline): Uncertain significance (1 of 4 stars; one submission).

Conditions:
Leukoencephalopathy-thalamus and brainstem anomalies-high lactate syndrome. Also called: LEUKOENCEPHALOPATHY WITH THALAMUS AND BRAINSTEM INVOLVEMENT AND HIGH LACTATE; Combined oxidative phosphorylation deficiency 12. Identifiers: Orphanet 314051, MedGen C4706421, MONDO:0013971, OMIM 614924.

Submission:

Clinical Genomics Laboratory, Washington University in St. Louis
Classification: Uncertain significance for Leukoencephalopathy-thalamus and brainstem anomalies-high lactate syndrome. Last evaluated: 2026-04-01. Review status: criteria provided, single submitter. Criteria: ACMG Guidelines, 2015. Collection method: clinical testing. Allele origin: germline.
Comment: The EARS2 c.1485_1486delinsTT (p.Gln495delinsHis*) variant, to our knowledge, has not been reported in the medical literature and is absent from the general population (gnomAD v4.1.0), indicating it is not a common variant. This variant causes a premature termination codon; however, because this occurs in the last exon, this is not predicted to lead to nonsense-mediated decay. Due to limited information, and based on ACMG/AMP guidelines for variant interpretation (Richards S et al., PMID: 25741868), the clinical significance of this variant is uncertain at this time.

NM_001083614.2(EARS2):c.1485_1486delinsTT (p.Gln495_Gln496delinsHisTer)

Gene: EARS2 (glutamyl-tRNA synthetase 2, mitochondrial; minus strand). Cytogenetic location: 16p12.2.
Variant type: Indel.
Coding change: c.1485_1486delinsTT on transcript NM_001083614.2 (MANE Select); coding-DNA positions 1485 to 1486, GC replaced by TT.
Protein change: p.Gln495_Gln496delinsHisTer.
Molecular consequence: nonsense. On other transcripts: non-coding transcript variant (1).
Genome position (GRCh38, 1-based): chr16:23,525,246-23,525,247, GC replaced by AA on the plus strand (GC replaced by TT on the coding strand, the reverse complement: EARS2 is on the minus strand). VCF-style: chr16-23525246-GC-AA. GRCh37 (hg19) VCF-style: chr16-23536567-GC-AA.
Other names: c.1485_1486delinsTT, p.Gln495_Gln496delinsHisTer (NM_001308211.1).
Identifiers: ClinVar variation 4879508 (VCV004879508.1).